The following is an entry in ClinVar:

NM_003742.4(ABCB11):c.3636del (p.Ser1214fs)

Gene: ABCB11 (ATP binding cassette subfamily B member 11; minus strand). Cytogenetic location: 2q31.1.
Variant type: Deletion.
Coding change: c.3636del on transcript NM_003742.4 (MANE Select); coding-DNA position 3636, one base deleted (T; older notation c.3636delT).
Protein change: p.Ser1214fs; shifts the reading frame from serine 1214.
Molecular consequence: frameshift variant.
Genome position (GRCh38, 1-based): chr2:168,924,786, A deleted on the plus strand (T on the coding strand, the reverse complement: ABCB11 is on the minus strand); the first of 2 consecutive A bases (chr2:168,924,786-168,924,787); deleting either gives the same sequence. VCF-style (leftmost placement, unchanged base first): chr2-168924785-CA-C. GRCh37 (hg19) VCF-style: chr2-169781295-CA-C.
Other names: short protein forms S1214fs.
Identifiers: ClinVar variation 1455996 (VCV001455996.6), dbSNP rs2105876276, ClinGen allele CA2573133643.
Genomic context (GRCh38, chr2:168,924,785, plus strand): 5'-TGGCCCGAGCAATAGCAATGCGTTGTTTCTCCCCTCTAGAGAGTTGAGACCCCTGGGACC[CA>C]ACGTTAGTTTCATATTTCTGAAAAAAAGTATGATAAGTTTGAGAAATAGAAACAGTTATT-3'

ClinVar aggregate classification (germline): Pathogenic (1 of 4 stars; one submission).

Submission:

Labcorp Genetics (formerly Invitae), Labcorp
Classification: Pathogenic. Last evaluated: 2021-07-03. Review status: criteria provided, single submitter. Criteria: Invitae Variant Classification Sherloc (09022015). Collection method: clinical testing. Allele origin: germline.
Comment: This variant disrupts a region of the ABCB11 protein in which other variant(s) (p.Gln1258*) have been determined to be pathogenic (Invitae). This suggests that this is a clinically significant region of the protein, and that variants that disrupt it are likely to be disease-causing. For these reasons, this variant has been classified as Pathogenic. This sequence change creates a premature translational stop signal (p.Ser1214Profs*29) in the ABCB11 gene. While this is not anticipated to result in nonsense mediated decay, it is expected to disrupt the last 108 amino acid(s) of the ABCB11 protein. This variant is not present in population databases (ExAC no frequency). This variant has not been reported in the literature in individuals affected with ABCB11-related conditions.